The following is an entry in ClinVar:

ClinVar aggregate classification (germline): Uncertain significance (1 of 4 stars; one submission).

gnomAD v4.1: 24 of 1,597,266 alleles (0.0015%); highest among the groups gnomAD compares: East Asian, 0.0023%; no homozygotes.

Submission:

Labcorp Genetics (formerly Invitae), Labcorp
Classification: Uncertain significance. Last evaluated: 2025-03-31. Review status: criteria provided, single submitter. Criteria: Invitae Variant Classification Sherloc (09022015). Collection method: clinical testing. Allele origin: germline.
Comment: This sequence change replaces arginine, which is basic and polar, with histidine, which is basic and polar, at codon 272 of the HACD1 protein (p.Arg272His). This variant is present in population databases (no rsID available, gnomAD 0.0009%). This variant has not been reported in the literature in individuals affected with HACD1-related conditions. Invitae Evidence Modeling of protein sequence and biophysical properties (such as structural, functional, and spatial information, amino acid conservation, physicochemical variation, residue mobility, and thermodynamic stability) indicates that this missense variant is not expected to disrupt HACD1 protein function with a negative predictive value of 80%. In summary, the available evidence is currently insufficient to determine the role of this variant in disease. Therefore, it has been classified as a Variant of Uncertain Significance.

NM_014241.4(HACD1):c.815G>A (p.Arg272His)

Gene: HACD1 (3-hydroxyacyl-CoA dehydratase 1; minus strand). Cytogenetic location: 10p12.33.
Variant type: single nucleotide variant.
Coding change: c.815G>A on transcript NM_014241.4 (MANE Select); coding-DNA position 815, G replaced by A.
Protein change: p.Arg272His; replaces arginine 272 with histidine.
Molecular consequence: missense variant.
Genome position (GRCh38, 1-based): chr10:17,590,416, C>T on the plus strand (G>A on the coding strand, the complement: HACD1 is on the minus strand). VCF-style: chr10-17590416-C-T. GRCh37 (hg19) VCF-style: chr10-17632415-C-T.
Other names: short protein forms R272H.
Identifiers: ClinVar variation 4743824 (VCV004743824.1).